The following is an entry in ClinVar:

ClinVar aggregate classification (germline): Uncertain significance. Review status: criteria provided, multiple submitters, no conflicts (2 of 4 stars). 4 submissions from 4 submitters: Uncertain significance (4). Last evaluated 2026-03-19.

Conditions:
Chédiak-Higashi syndrome (CHS). Also called: Chediak-Higashi Syndrome. Identifiers: Orphanet 167, MedGen C0007965, MONDO:0008963, OMIM 214500.
Inborn genetic diseases. Identifiers: MedGen C0950123, MeSH D030342.

Allele frequency attached by ClinVar (database versions not stated): gnomAD exomes 0.00001; gnomAD 0.00003; ExAC 0.00004; 1000 Genomes Project 0.00020; 1000 Genomes Project 30x 0.00031; ESP Exome Variant Server 0.00008; TOPMed 0.00002.
gnomAD v4.1: 25 of 1,612,802 alleles (0.0016%); highest among the groups gnomAD compares: Admixed American, 0.013%; no homozygotes.

Submissions (4):

Ambry Genetics
Classification: Uncertain significance for Inborn genetic diseases. Last evaluated: 2026-03-19. Review status: criteria provided, single submitter. Criteria: Ambry Variant Classification Scheme 2023. Collection method: clinical testing. Allele origin: germline.
Comment: The c.6266C>G (p.S2089C) alteration is located in exon 23 (coding exon 21) of the LYST gene. This alteration results from a C to G substitution at nucleotide position 6266, causing the serine (S) at amino acid position 2089 to be replaced by a cysteine (C). Based on data from gnomAD, the G allele has an overall frequency of 0.003% (9/278638) total alleles studied. The highest observed frequency was 0.029% (3/10310) of Ashkenazi Jewish alleles. Based on insufficient or conflicting evidence, the clinical significance of this alteration remains unclear.

GeneDx
Classification: Uncertain significance. Last evaluated: 2023-06-28. Review status: criteria provided, single submitter. Criteria: GeneDx Variant Classification Process June 2021. Collection method: clinical testing. Allele origin: germline. Affected: yes.
Comment: In silico analysis supports that this missense variant does not alter protein structure/function; Has not been previously published as pathogenic or benign to our knowledge

Labcorp Genetics (formerly Invitae), Labcorp
Classification: Uncertain significance for Chédiak-Higashi syndrome. Last evaluated: 2022-06-08. Review status: criteria provided, single submitter. Criteria: Invitae Variant Classification Sherloc (09022015). Collection method: clinical testing. Allele origin: germline.
Comment: This sequence change replaces serine, which is neutral and polar, with cysteine, which is neutral and slightly polar, at codon 2089 of the LYST protein (p.Ser2089Cys). This variant is present in population databases (rs201842746, gnomAD 0.04%). This variant has not been reported in the literature in individuals affected with LYST-related conditions. ClinVar contains an entry for this variant (Variation ID: 569907). Algorithms developed to predict the effect of missense changes on protein structure and function output the following: SIFT: "Deleterious"; PolyPhen-2: "Benign"; Align-GVGD: "Class C0". The cysteine amino acid residue is found in multiple mammalian species, which suggests that this missense change does not adversely affect protein function. In summary, the available evidence is currently insufficient to determine the role of this variant in disease. Therefore, it has been classified as a Variant of Uncertain Significance.

Illumina Laboratory Services, Illumina
Classification: Uncertain significance for Chédiak-Higashi syndrome. Last evaluated: 2018-01-13. Review status: criteria provided, single submitter. Criteria: ICSL Variant Classification Criteria 13 December 2019. Collection method: clinical testing. Allele origin: germline.

NM_000081.4(LYST):c.6266C>G (p.Ser2089Cys)

Gene: LYST (lysosomal trafficking regulator; minus strand). Cytogenetic location: 1q42.3.
Variant type: single nucleotide variant.
Coding change: c.6266C>G on transcript NM_000081.4 (MANE Select); coding-DNA position 6266, C replaced by G.
Protein change: p.Ser2089Cys; replaces serine 2089 with cysteine.
Molecular consequence: missense variant.
Genome position (GRCh38, 1-based): chr1:235,759,587, G>C on the plus strand (C>G on the coding strand, the complement: LYST is on the minus strand). VCF-style: chr1-235759587-G-C. GRCh37 (hg19) VCF-style: chr1-235922887-G-C.
Other names: c.6266C>G, p.Ser2089Cys (NM_001301365.1); c.6266C>G (NM_000081.2); short protein forms S2089C.
Identifiers: ClinVar variation 569907 (VCV000569907.10), dbSNP rs201842746, ClinGen allele CA1466394.